The following is an entry in ClinVar:

NM_032806.6(POMGNT2):c.610G>A (p.Asp204Asn)

Gene: POMGNT2 (protein O-linked mannose N-acetylglucosaminyltransferase 2 (beta 1,4-); minus strand). Cytogenetic location: 3p22.1.
Variant type: single nucleotide variant.
Coding change: c.610G>A on transcript NM_032806.6 (MANE Select); coding-DNA position 610, G replaced by A.
Protein change: p.Asp204Asn; replaces aspartic acid 204 with asparagine.
Molecular consequence: missense variant.
Genome position (GRCh38, 1-based): chr3:43,080,822, C>T on the plus strand (G>A on the coding strand, the complement: POMGNT2 is on the minus strand). VCF-style: chr3-43080822-C-T. GRCh37 (hg19) VCF-style: chr3-43122314-C-T.
Other names: short protein forms D204N.
Identifiers: ClinVar variation 578129 (VCV000578129.4), dbSNP rs761923554, ClinGen allele CA2340028.
Genomic context (GRCh38, chr3:43,080,822, plus strand): 5'-CCAGGGTCTTCAGCTGTGCCCGCAGGAGAGGCTGCTTGGGGCTGAGCAGCTTGTAGAGGT[C>T]GAAGTGTGCACCCTCGCCCCAGCCCTCCATGAAGAAGAGCCGTGCCTCGTGGGCCAGGCC-3'
Protein context (NP_116195.2, residues 194-214): MEGWGEGAHF[Asp204Asn]LYKLLSPKQP

ClinVar aggregate classification (germline): Uncertain significance (1 of 4 stars; one submission).

Conditions:
Muscular dystrophy-dystroglycanopathy (congenital with brain and eye anomalies), type a, 8 (MDDGA8). Also called: WALKER-WARBURG SYNDROME OR MUSCLE-EYE-BRAIN DISEASE, GTDC2-RELATED. Identifiers: Orphanet 899, MedGen C3553813, MONDO:0013904, OMIM 614830.

Allele frequency attached by ClinVar (database versions not stated): TOPMed 0.00002; ExAC 0.00003.
gnomAD v4.1: 47 of 1,613,840 alleles (0.0029%); highest among the groups gnomAD compares: African/African-American, 0.0053%; no homozygotes.

Submission:

Labcorp Genetics (formerly Invitae), Labcorp
Classification: Uncertain significance for Muscular dystrophy-dystroglycanopathy (congenital with brain and eye anomalies), type a, 8. Last evaluated: 2022-08-15. Review status: criteria provided, single submitter. Criteria: Invitae Variant Classification Sherloc (09022015). Collection method: clinical testing. Allele origin: germline.
Comment: This sequence change replaces aspartic acid, which is acidic and polar, with asparagine, which is neutral and polar, at codon 204 of the POMGNT2 protein (p.Asp204Asn). This variant is present in population databases (rs761923554, gnomAD 0.007%). This variant has not been reported in the literature in individuals affected with POMGNT2-related conditions. ClinVar contains an entry for this variant (Variation ID: 578129). Algorithms developed to predict the effect of missense changes on protein structure and function are either unavailable or do not agree on the potential impact of this missense change (SIFT: "Tolerated"; PolyPhen-2: "Possibly Damaging"; Align-GVGD: "Class C0"). In summary, the available evidence is currently insufficient to determine the role of this variant in disease. Therefore, it has been classified as a Variant of Uncertain Significance.